The following is an entry in ClinVar:

ClinVar aggregate classification (germline): Pathogenic (1 of 4 stars; one submission).

Conditions:
Neurofibromatosis, type 1 (NF1). Also called: VON RECKLINGHAUSEN DISEASE; Peripheral type neurofibromatosis; NEUROFIBROMATOSIS, TYPE I, SOMATIC; Neurofibromatosis, type I. Identifiers: Orphanet 636, MedGen C0027831, MONDO:0018975, OMIM 162200. Disease mechanism: loss of function.

Submission:

Labcorp Genetics (formerly Invitae), Labcorp
Classification: Pathogenic for Neurofibromatosis, type 1. Last evaluated: 2025-09-08. Review status: criteria provided, single submitter. Criteria: Invitae Variant Classification Sherloc (09022015). Collection method: clinical testing. Allele origin: germline.
Comment: This variant results in the deletion of part of exon 13 (c.1526_1527+2del) of the NF1 gene. It is expected to disrupt RNA splicing. Variants that disrupt the donor or acceptor splice site typically lead to a loss of protein function (PMID: 16199547), and loss-of-function variants in NF1 are known to be pathogenic (PMID: 10712197, 23913538). This variant is not present in population databases (gnomAD no frequency). This variant has been observed in individual(s) with clinical features of NF1-related conditions (internal data). ClinVar contains an entry for this variant (Variation ID: 1073458). For these reasons, this variant has been classified as Pathogenic.

Literature cited by the submitters: PubMed 16199547; PubMed 10712197; PubMed 23913538.

NM_001042492.3(NF1):c.1526_1527+2del

Gene: NF1 (neurofibromin 1; plus strand). Cytogenetic location: 17q11.2.
Variant type: Deletion.
Coding change: c.1526_1527+2del on transcript NM_001042492.3 (MANE Select); coding-DNA position 1526 through the canonical splice donor site of the intron after coding-DNA position 1527, 4 bases deleted (GTGT; older notation c.1526_1527+2delGTGT).
Molecular consequence: splice donor variant.
Genome position (GRCh38, 1-based): chr17:31,214,584-31,214,587, GTGT deleted; deleting any 4 consecutive bases within chr17:31,214,583-31,214,587 gives the same sequence; the c. name uses the placement nearest the transcript's 3' end. VCF-style (leftmost placement, unchanged base first): chr17-31214582-TTGTG-T. GRCh37 (hg19) VCF-style: chr17-29541600-TTGTG-T.
Other names: c.1526_1527+2del (NM_000267.4, NM_001128147.3).
Identifiers: ClinVar variation 1073458 (VCV001073458.5), dbSNP rs2143960778, ClinGen allele CA2499223997.
Genomic context (GRCh38, chr17:31,214,582, plus strand): 5'-CTATAAGTATCTTCTCTTGTCCATGGTGAAACTAATTCATGCAGATCCAAAGCTCTTGCT[TTGTG>T]TAAGTATTTTTTTATGAAATGTCTCAAAATTATCACACTAAGTTAATTGGGTTTAGCTGA-3'